The following is an entry in ClinVar:

ClinVar aggregate classification (germline): Uncertain significance. Review status: criteria provided, multiple submitters, no conflicts (2 of 4 stars). 6 submissions from 6 submitters: Uncertain significance (6). Last evaluated 2025-09-02.

Conditions:
Inborn genetic diseases. Identifiers: MedGen C0950123, MeSH D030342.
GATA2-related disorder. Also called: GATA2-Related Disorders; GATA2-related condition.
Monocytopenia with susceptibility to infections. Also called: IMMUNODEFICIENCY 21; MONOCYTOPENIA AND MYCOBACTERIAL INFECTION SYNDROME; MONOCYTOPENIA WITH SUSCEPTIBILITY TO MYCOBACTERIAL, FUNGAL, AND PAPILLOMAVIRUS INFECTIONS AND MYELODYSPLASIA; COMBINED IMMUNODEFICIENCY WITH SUSCEPTIBILITY TO MYCOBACTERIAL, VIRAL, AND FUNGAL INFECTIONS; Dendritic cell, monocyte, B lymphocyte, and natural killer lymphocyte deficiency; GATA2 DEFICIENCY. Identifiers: Orphanet 228423, MedGen C3280030, MONDO:0013607, OMIM 614172.
Deafness-lymphedema-leukemia syndrome. Also called: Lymphedema, primary, with myelodysplasia; Emberger syndrome. Identifiers: Orphanet 3226, MedGen C3279664, MONDO:0013540, OMIM 614038.

Submissions (6):

Labcorp Genetics (formerly Invitae), Labcorp
Classification: Uncertain significance for Monocytopenia with susceptibility to infections; Deafness-lymphedema-leukemia syndrome. Last evaluated: 2025-09-02. Review status: criteria provided, single submitter. Criteria: Invitae Variant Classification Sherloc (09022015). Collection method: clinical testing. Allele origin: germline.
Comment: This sequence change replaces glycine, which is neutral and non-polar, with valine, which is neutral and non-polar, at codon 100 of the GATA2 protein (p.Gly100Val). This variant is present in population databases (no rsID available, gnomAD 0.001%). This variant has not been reported in the literature in individuals affected with GATA2-related conditions. ClinVar contains an entry for this variant (Variation ID: 404071). An algorithm developed to predict the effect of missense changes on protein structure and function (PolyPhen-2) suggests that this variant is likely to be tolerated. In summary, the available evidence is currently insufficient to determine the role of this variant in disease. Therefore, it has been classified as a Variant of Uncertain Significance.

Ambry Genetics
Classification: Uncertain significance for Inborn genetic diseases. Last evaluated: 2024-12-08. Review status: criteria provided, single submitter. Criteria: Ambry Variant Classification Scheme 2023. Collection method: clinical testing. Allele origin: germline.
Comment: The c.299_300delGGinsTT variant, located in coding exon 2 of the GATA2 gene, results from an in-frame deletion of GG and insertion of TT at nucleotide positions 299 to 300. This results in the substitution of the glycine residue for a valine residue at codon 100, an amino acid with dissimilar properties. This amino acid position is well conserved in available vertebrate species. In addition, the in silico prediction for this alteration is inconclusive (Choi Y et al. PLoS ONE. 2012; 7(10):e46688). Based on the available evidence, the clinical significance of this variant remains unclear.

GeneDx
Classification: Uncertain significance. Last evaluated: 2024-06-25. Review status: criteria provided, single submitter. Criteria: GeneDx Variant Classification Process June 2021. Collection method: clinical testing. Allele origin: germline. Affected: yes.
Comment: Not observed at significant frequency in large population cohorts (gnomAD); In silico analysis supports a deleterious effect on protein structure/function; Has not been previously published as pathogenic or benign to our knowledge

PreventionGenetics, part of Exact Sciences
Classification: Uncertain significance for GATA2-related condition. Last evaluated: 2023-01-10. Review status: criteria provided, single submitter. Criteria: ACMG Guidelines, 2015. Collection method: clinical testing. Allele origin: germline.
Comment: The GATA2 c.299_300delinsTT variant is predicted to result in an in-frame deletion and insertion. To our knowledge, this variant has not been reported in the literature or in a large population database, indicating this variant is rare. At this time, the clinical significance of this variant is uncertain due to the absence of conclusive functional and genetic evidence.

Blueprint Genetics
Classification: Uncertain significance. Last evaluated: 2022-09-19. Review status: criteria provided, single submitter. Criteria: ACMG Guidelines, 2015. Collection method: clinical testing. Allele origin: germline.

Genetic Services Laboratory, University of Chicago
Classification: Uncertain significance. Last evaluated: 2015-11-19. Review status: criteria provided, single submitter. Criteria: ACMG Guidelines, 2015. Collection method: clinical testing. Allele origin: germline. Affected: no.

NM_032638.5(GATA2):c.299_300delinsTT (p.Gly100Val)

Gene: GATA2 (GATA binding protein 2; minus strand). Cytogenetic location: 3q21.3.
Variant type: Indel.
Coding change: c.299_300delinsTT on transcript NM_032638.5 (MANE Select); coding-DNA positions 299 to 300, GG replaced by TT.
Protein change: p.Gly100Val; replaces glycine 100 with valine.
Molecular consequence: missense variant.
Genome position (GRCh38, 1-based): chr3:128,486,298-128,486,299, CC replaced by AA on the plus strand (GG replaced by TT on the coding strand, the reverse complement: GATA2 is on the minus strand). VCF-style: chr3-128486298-CC-AA. GRCh37 (hg19) VCF-style: chr3-128205141-CC-AA.
Other names: c.299_300delGGinsTT (NM_032638.4); c.299_300delinsTT, p.Gly100Val (NM_001145661.2, NM_001145662.1); c.299_300delinsTT (NM_001145661.1); short protein forms G100V.
Identifiers: ClinVar variation 404071 (VCV000404071.20), dbSNP rs1060500084, ClinGen allele CA16611182.